The following is an entry in ClinVar:

NM_000138.5(FBN1):c.5223A>G (p.Thr1741=)

Gene: FBN1 (fibrillin 1; minus strand). Cytogenetic location: 15q21.1.
Variant type: single nucleotide variant.
Coding change: c.5223A>G on transcript NM_000138.5 (MANE Select); coding-DNA position 5223, A replaced by G.
Protein change: p.Thr1741=; no amino-acid change (threonine 1741 retained).
Molecular consequence: synonymous variant.
Genome position (GRCh38, 1-based): chr15:48,463,083, T>C on the plus strand (A>G on the coding strand, the complement: FBN1 is on the minus strand). VCF-style: chr15-48463083-T-C. GRCh37 (hg19) VCF-style: chr15-48755280-T-C.
Identifiers: ClinVar variation 918677 (VCV000918677.3), dbSNP rs2043291766, ClinGen allele CA490024690.

ClinVar aggregate classification (germline): Uncertain significance (1 of 4 stars; one submission).

Conditions:
Familial thoracic aortic aneurysm and aortic dissection (TAAD). Also called: Thoracic aortic aneurysms and dissections. Identifiers: Orphanet 91387, MedGen C4707243, MONDO:0019625.

Allele frequency attached by ClinVar (database versions not stated): gnomAD exomes below 0.00001.
gnomAD v4.1: 2 of 1,613,864 alleles (0.00012%); highest among the groups gnomAD compares: South Asian, 0.0011%; no homozygotes.

Submission:

Color Diagnostics, LLC DBA Color Health
Classification: Uncertain significance for Familial thoracic aortic aneurysm and aortic dissection. Last evaluated: 2019-01-13. Review status: criteria provided, single submitter. Criteria: ACMG Guidelines, 2015. Collection method: clinical testing. Allele origin: germline.
Comment: Variant of Uncertain Significance due to insufficient evidence: This synonymous variant does not change the amino acid sequence of the FBN1 protein. However, computational splicing tools suggest that this variant may disrupt RNA splicing due to the creation of a new splice donor site. To our knowledge, RNA studies have not been performed to investigate this prediction. This variant has not been reported in individuals affected with cardiovascular disorders in the literature. This variant is rare in the general population and has been identified in 0/277264 chromosomes in the general population by the Genome Aggregation Database (gnomAD). Available evidence is insufficient to determine the role of this variant in disease conclusively.